The following is an entry in ClinVar:

NM_000363.5(TNNI3):c.298C>T (p.Leu100Phe)

Gene: TNNI3 (troponin I3, cardiac type; minus strand). Cytogenetic location: 19q13.42.
Variant type: single nucleotide variant.
Coding change: c.298C>T on transcript NM_000363.5 (MANE Select); coding-DNA position 298, C replaced by T.
Protein change: p.Leu100Phe; replaces leucine 100 with phenylalanine.
Molecular consequence: missense variant.
Genome position (GRCh38, 1-based): chr19:55,154,815, G>A on the plus strand (C>T on the coding strand, the complement: TNNI3 is on the minus strand). VCF-style: chr19-55154815-G-A. GRCh37 (hg19) VCF-style: chr19-55666183-G-A.
Other names: c.298C>T (LRG_432t1); short protein forms L100F.
Identifiers: ClinVar variation 427955 (VCV000427955.14), dbSNP rs773216333, ClinGen allele CA051136.

ClinVar aggregate classification (germline): Uncertain significance. Review status: criteria provided, multiple submitters, no conflicts (2 of 4 stars). 8 submissions from 8 submitters: Uncertain significance (7). 1 of the submissions does not count toward it. Last evaluated 2026-08-17.

Conditions:
TNNI3-related disorder. Also called: TNNI3-related disorders; TNNI3-related condition.
Cardiovascular phenotype. Identifiers: MedGen CN230736.
Cardiomyopathy (CMYO). Also called: Cardiomyopathies. Identifiers: Orphanet 167848, MedGen C0878544, MONDO:0004994, HP:0001638. Inheritance: Various modes of inheritance.
Hypertrophic cardiomyopathy. Also called: HYPERTROPHIC MYOCARDIOPATHY. Identifiers: Orphanet 217569, MedGen C0007194, MeSH D002312, MONDO:0005045, HP:0001639.

Allele frequency attached by ClinVar (database versions not stated): ExAC 0.00001; TOPMed 0.00002.
gnomAD v4.1: 22 of 1,614,200 alleles (0.0014%); highest among the groups gnomAD compares: Admixed American, 0.0033%; no homozygotes.

Submissions (8):

PreventionGenetics, part of Exact Sciences
Classification: Uncertain significance for TNNI3-related condition. Last evaluated: 2026-08-17. Review status: criteria provided, single submitter. Criteria: ACMG Guidelines, 2015. Collection method: clinical testing. Allele origin: germline.
Comment: The TNNI3 c.298C>T variant is predicted to result in the amino acid substitution p.Leu100Phe. This variant has been reported as a variant of uncertain significance in individuals with hypertrophic cardiomyopathy (Table S2, Robyns et al. 2020. PubMed ID: 31513939; Table S3, Stafford et al. 2022. PubMed ID: 36578016). This variant is reported in 0.0029% of alleles in individuals of Latino descent in gnomAD. At this time, the clinical significance of this variant is uncertain due to the absence of conclusive functional and genetic evidence.

Labcorp Genetics (formerly Invitae), Labcorp
Classification: Uncertain significance for Hypertrophic cardiomyopathy. Last evaluated: 2026-01-12. Review status: criteria provided, single submitter. Criteria: Invitae Variant Classification Sherloc (09022015). Collection method: clinical testing. Allele origin: germline.
Comment: This sequence change replaces leucine, which is neutral and non-polar, with phenylalanine, which is neutral and non-polar, at codon 100 of the TNNI3 protein (p.Leu100Phe). This variant is present in population databases (rs773216333, gnomAD 0.003%). This missense change has been observed in individual(s) with hypertrophic cardiomyopathy (PMID: 29255176). ClinVar contains an entry for this variant (Variation ID: 427955). An algorithm developed to predict the effect of missense changes on protein structure and function (PolyPhen-2) suggests that this variant is likely to be disruptive. In summary, the available evidence is currently insufficient to determine the role of this variant in disease. Therefore, it has been classified as a Variant of Uncertain Significance.

Ambry Genetics
Classification: Uncertain significance for Cardiovascular phenotype. Last evaluated: 2025-08-27. Review status: criteria provided, single submitter. Criteria: Ambry Variant Classification Scheme 2023. Collection method: clinical testing. Allele origin: germline.
Comment: The p.L100F variant (also known as c.298C>T), located in coding exon 6 of the TNNI3 gene, results from a C to T substitution at nucleotide position 298. The leucine at codon 100 is replaced by phenylalanine, an amino acid with highly similar properties. This variant was reported in individual(s) with features consistent with hypertrophic cardiomyopathy (HCM) (Robyns T et al. Eur J Hum Genet, 2017 Dec;25:1313-1323). This amino acid position is highly conserved in available vertebrate species. In addition, this alteration is predicted to be deleterious by in silico analysis. Based on the available evidence, the clinical significance of this variant remains unclear.

Color Diagnostics, LLC DBA Color Health
Classification: Uncertain significance for Cardiomyopathy. Last evaluated: 2025-01-13. Review status: criteria provided, single submitter. Criteria: ACMG Guidelines, 2015. Collection method: clinical testing. Allele origin: germline.
Comment: This missense variant replaces leucine with phenylalanine at codon 100 of the TNNI3 protein. Computational prediction suggests that this variant may have a deleterious impact on protein structure and function. To our knowledge, functional studies have not been reported for this variant. This variant has been reported in two siblings affected with hypertrophic cardiomyopathy (PMID: 29255176, 31513939). This variant has been identified in 3/249422 chromosomes in the general population by the Genome Aggregation Database (gnomAD). The available evidence is insufficient to determine the role of this variant in disease conclusively. Therefore, this variant is classified as a Variant of Uncertain Significance.

All of Us Research Program, National Institutes of Health
Classification: Uncertain significance for Hypertrophic cardiomyopathy. Last evaluated: 2023-09-04. Review status: criteria provided, single submitter. Criteria: ACMG Guidelines, 2015. Collection method: clinical testing. Allele origin: germline. Inheritance: Autosomal dominant inheritance. Observed: 2 variant alleles, 2 heterozygotes.
Comment: This missense variant replaces leucine with phenylalanine at codon 100 of the TNNI3 protein. Computational prediction tool suggests that this variant may have deleterious impact on protein structure and function (internally defined REVEL score threshold >=0.7, PMID: 27666373). Splice site prediction tools suggest that this variant may not impact RNA splicing. To our knowledge, functional studies have not been performed for this variant. This variant has not been reported in individuals affected with cardiovascular disorders in the literature. This variant has been identified in 3/249422 chromosomes in the general population by the Genome Aggregation Database (gnomAD). The available evidence is insufficient to determine the role of this variant in disease conclusively. Therefore, this variant is classified as a Variant of Uncertain Significance.

This study involves interpretation of variants in research participants for the purpose of population health screening. Participant phenotype was not available at the time of variant classification. Additional details can be found in publication PMID: 35346344, PMCID: PMC8962531

Women's Health and Genetics/Laboratory Corporation of America, LabCorp
Classification: Uncertain significance. Last evaluated: 2022-08-06. Review status: criteria provided, single submitter. Criteria: LabCorp Variant Classification Summary - May 2015. Collection method: clinical testing. Allele origin: germline.
Comment: Variant summary: TNNI3 c.298C>T (p.Leu100Phe) results in a non-conservative amino acid change in the encoded protein sequence. Five of five in-silico tools predict a damaging effect of the variant on protein function. The variant allele was found at a frequency of 1.2e-05 in 249422 control chromosomes (gnomAD). The available data on variant occurrences in the general population are insufficient to allow any conclusion about variant significance. c.298C>T has been reported in the literature in two sisters diagnosed with Hypertrophic cardiomyopathy and mild hypertrophy, however authors classified the variant as VUS (examples: Robyns_2017, and Robyns_2020). These reports do not provide unequivocal conclusions about association of the variant with Cardiomyopathy. To our knowledge, no experimental evidence demonstrating an impact on protein function has been reported. Three clinical diagnostic laboratories have submitted clinical-significance assessments for this variant to ClinVar after 2014 and all classified the variant as uncertain significance. Based on the evidence outlined above, the variant was classified as uncertain significance.

Center for Human Genetics, University of Leuven
Classification: Uncertain significance for Hypertrophic cardiomyopathy. Last evaluated: 2017-02-09. Review status: criteria provided, single submitter. Criteria: ACMG Guidelines, 2015. Collection method: clinical testing. Allele origin: germline. Inheritance: Autosomal dominant inheritance. Affected: yes. Observed: 1 variant allele.
Comment: ACMG score unknown significance

Agnes Ginges Centre for Molecular Cardiology, Centenary Institute
Classification: Uncertain significance for Hypertrophic cardiomyopathy. Last evaluated: 2020-03-31. Review status: no assertion criteria provided. Collection method: research. Allele origin: germline. Inheritance: Autosomal dominant inheritance. Affected: yes. Not counted in ClinVar's aggregate classification.
Comment: This variant has been identified as part of our research program. For further information please feel free to contact us.

Literature cited by the submitters: PubMed 29255176 (cited by 5 submitters); PubMed 31513939 (cited by Color Diagnostics, LLC DBA Color Health and Women's Health and Genetics/Laboratory Corporation of America, LabCorp).